The following is an entry in ClinVar:

NM_170606.3(KMT2C):c.3994_4005del (p.Asp1332_Val1335del)

Gene: KMT2C (lysine methyltransferase 2C; minus strand). Cytogenetic location: 7q36.1.
Variant type: Deletion.
Coding change: c.3994_4005del on transcript NM_170606.3 (MANE Select); coding-DNA positions 3994 to 4005, 12 bases deleted (GATGAATCTGTT).
Protein change: p.Asp1332_Val1335del.
Molecular consequence: inframe deletion.
Genome position (GRCh38, 1-based): chr7:152,203,021-152,203,032, AACAGATTCATC deleted on the plus strand (GATGAATCTGTT on the coding strand, the reverse complement: KMT2C is on the minus strand); deleting any 12 consecutive bases within chr7:152,203,021-152,203,035 gives the same sequence; the c. name uses the placement nearest the transcript's 3' end. VCF-style (leftmost placement, unchanged base first): chr7-152203020-AAACAGATTCATC-A. GRCh37 (hg19) VCF-style: chr7-151900105-AAACAGATTCATC-A.
Identifiers: ClinVar variation 4691197 (VCV004691197.1).

ClinVar aggregate classification (germline): Uncertain significance (1 of 4 stars; one submission).

Submission:

Labcorp Genetics (formerly Invitae), Labcorp
Classification: Uncertain significance. Last evaluated: 2025-07-29. Review status: criteria provided, single submitter. Criteria: Invitae Variant Classification Sherloc (09022015). Collection method: clinical testing. Allele origin: germline.
Comment: This variant, c.3994_4005del, results in the deletion of 4 amino acid(s) of the KMT2C protein (p.Asp1332_Val1335del), but otherwise preserves the integrity of the reading frame. This variant is not present in population databases (gnomAD no frequency). This variant has not been reported in the literature in individuals affected with KMT2C-related conditions. Experimental studies and prediction algorithms are not available or were not evaluated, and the functional significance of this variant is currently unknown. In summary, the available evidence is currently insufficient to determine the role of this variant in disease. Therefore, it has been classified as a Variant of Uncertain Significance.